The following is an entry in ClinVar:

NM_033124.5(DRC2):c.1247T>C (p.Leu416Pro)

Gene: DRC2 (dynein regulatory complex subunit 2; plus strand). Cytogenetic location: 12q13.12.
Variant type: single nucleotide variant.
Coding change: c.1247T>C on transcript NM_033124.5 (MANE Select); coding-DNA position 1247, T replaced by C.
Protein change: p.Leu416Pro; replaces leucine 416 with proline.
Molecular consequence: missense variant.
Genome position (GRCh38, 1-based): chr12:48,921,235, T>C. VCF-style: chr12-48921235-T-C. GRCh37 (hg19) VCF-style: chr12-49315018-T-C.
Other names: c.818T>C, p.Leu273Pro (NM_001286957.2); short protein forms L416P, L273P.
Identifiers: ClinVar variation 2162404 (VCV002162404.3), dbSNP rs757928586, ClinGen allele CA6543477.

ClinVar aggregate classification (germline): Uncertain significance (1 of 4 stars; one submission).

Conditions:
Primary ciliary dyskinesia 27. Also called: CILIARY DYSKINESIA, PRIMARY, 27, WITHOUT SITUS INVERSUS. Identifiers: Orphanet 244, MedGen C3809701, MONDO:0014215, OMIM 615504.

Allele frequency attached by ClinVar (database versions not stated): ExAC 0.00001; gnomAD 0.00001; TOPMed 0.00001; gnomAD exomes 0.00003.
gnomAD v4.1: 38 of 1,614,080 alleles (0.0024%); highest among the groups gnomAD compares: Non-Finnish European, 0.0031%; no homozygotes.

Submission:

Labcorp Genetics (formerly Invitae), Labcorp
Classification: Uncertain significance for Primary ciliary dyskinesia 27. Last evaluated: 2022-04-26. Review status: criteria provided, single submitter. Criteria: Invitae Variant Classification Sherloc (09022015). Collection method: clinical testing. Allele origin: germline.
Comment: This variant is present in population databases (rs757928586, gnomAD 0.003%). This sequence change replaces leucine, which is neutral and non-polar, with proline, which is neutral and non-polar, at codon 416 of the CCDC65 protein (p.Leu416Pro). This variant has not been reported in the literature in individuals affected with CCDC65-related conditions. Algorithms developed to predict the effect of missense changes on protein structure and function are either unavailable or do not agree on the potential impact of this missense change (SIFT: "Deleterious"; PolyPhen-2: "Probably Damaging"; Align-GVGD: "Class C15"). In summary, the available evidence is currently insufficient to determine the role of this variant in disease. Therefore, it has been classified as a Variant of Uncertain Significance.